The following is an entry in ClinVar:

ClinVar aggregate classification (germline): Uncertain significance (1 of 4 stars; one submission).

Conditions:
Congenital heart defects, multiple types, 4 (CHTD4). Identifiers: MedGen C4014310, MONDO:0014344, OMIM 615779.

Submission:

Labcorp Genetics (formerly Invitae), Labcorp
Classification: Uncertain significance for Congenital heart defects, multiple types, 4. Last evaluated: 2024-07-23. Review status: criteria provided, single submitter. Criteria: Invitae Variant Classification Sherloc (09022015). Collection method: clinical testing. Allele origin: germline.
Comment: This sequence change replaces valine, which is neutral and non-polar, with alanine, which is neutral and non-polar, at codon 254 of the NR2F2 protein (p.Val254Ala). This variant is not present in population databases (gnomAD no frequency). This variant has not been reported in the literature in individuals affected with NR2F2-related conditions. Advanced modeling of protein sequence and biophysical properties (such as structural, functional, and spatial information, amino acid conservation, physicochemical variation, residue mobility, and thermodynamic stability) performed at Invitae indicates that this missense variant is not expected to disrupt NR2F2 protein function with a negative predictive value of 80%. In summary, the available evidence is currently insufficient to determine the role of this variant in disease. Therefore, it has been classified as a Variant of Uncertain Significance.

NM_021005.4(NR2F2):c.761T>C (p.Val254Ala)

Gene: NR2F2 (nuclear receptor subfamily 2 group F member 2; plus strand). Cytogenetic location: 15q26.2.
Variant type: single nucleotide variant.
Coding change: c.761T>C on transcript NM_021005.4 (MANE Select); coding-DNA position 761, T replaced by C.
Protein change: p.Val254Ala; replaces valine 254 with alanine.
Molecular consequence: missense variant.
Genome position (GRCh38, 1-based): chr15:96,334,394, T>C. VCF-style: chr15-96334394-T-C. GRCh37 (hg19) VCF-style: chr15-96877623-T-C.
Other names: c.362T>C, p.Val121Ala (NM_001145155.2); c.302T>C, p.Val101Ala (NM_001145156.1, NM_001145157.2); short protein forms V121A, V254A, V101A.
Identifiers: ClinVar variation 3660258 (VCV003660258.2).